The following is an entry in ClinVar:

ClinVar aggregate classification (germline): Uncertain significance (1 of 4 stars; one submission).

gnomAD v4.1: 8 of 1,614,056 alleles (0.0005%); highest among the groups gnomAD compares: East Asian, 0.0089%; 1 homozygote.

Submission:

Labcorp Genetics (formerly Invitae), Labcorp
Classification: Uncertain significance. Last evaluated: 2024-02-17. Review status: criteria provided, single submitter. Criteria: Invitae Variant Classification Sherloc (09022015). Collection method: clinical testing. Allele origin: germline.
Comment: This sequence change replaces arginine, which is basic and polar, with leucine, which is neutral and non-polar, at codon 121 of the IL18BP protein (p.Arg121Leu). This variant is not present in population databases (gnomAD no frequency). This variant has not been reported in the literature in individuals affected with IL18BP-related conditions. An algorithm developed to predict the effect of missense changes on protein structure and function (PolyPhen-2) suggests that this variant is likely to be tolerated. In summary, the available evidence is currently insufficient to determine the role of this variant in disease. Therefore, it has been classified as a Variant of Uncertain Significance.

NM_001039660.2(IL18BP):c.362G>T (p.Arg121Leu)

Gene: IL18BP (interleukin 18 binding protein; plus strand). Cytogenetic location: 11q13.4.
Variant type: single nucleotide variant.
Coding change: c.362G>T on transcript NM_001039660.2 (MANE Select); coding-DNA position 362, G replaced by T.
Protein change: p.Arg121Leu; replaces arginine 121 with leucine.
Molecular consequence: missense variant. On other transcripts: intron variant (1).
Genome position (GRCh38, 1-based): chr11:72,001,407, G>T. VCF-style: chr11-72001407-G-T. GRCh37 (hg19) VCF-style: chr11-71712453-G-T.
Other names: c.362G>T, p.Arg121Leu (NM_001039659.2, NM_001145057.1, NM_005699.3 and 2 more transcripts); c.236-377G>T (NM_001145055.1); short protein forms R121L.
Identifiers: ClinVar variation 3673098 (VCV003673098.2).